The following is an entry in ClinVar:

ClinVar aggregate classification (germline): Uncertain significance (1 of 4 stars; one submission).

Submission:

GeneDx
Classification: Uncertain significance. Last evaluated: 2025-08-21. Review status: criteria provided, single submitter. Criteria: GeneDx Variant Classification Process June 2021. Collection method: clinical testing. Allele origin: germline. Affected: yes.
Comment: Not observed at significant frequency in large population cohorts (gnomAD); In silico analysis supports that this missense variant has a deleterious effect on protein structure/function; Has not been previously published as pathogenic or benign to our knowledge

NM_003179.3(SYP):c.121T>C (p.Phe41Leu)

Gene: SYP (synaptophysin; minus strand). Cytogenetic location: Xp11.23.
Variant type: single nucleotide variant.
Coding change: c.121T>C on transcript NM_003179.3 (MANE Select); coding-DNA position 121, T replaced by C.
Protein change: p.Phe41Leu; replaces phenylalanine 41 with leucine.
Molecular consequence: missense variant.
Genome position (GRCh38, 1-based): chrX:49,197,821, A>G on the plus strand (T>C on the coding strand, the complement: SYP is on the minus strand). VCF-style: chrX-49197821-A-G. GRCh37 (hg19) VCF-style: chrX-49054280-A-G.
Other names: short protein forms F41L.
Identifiers: ClinVar variation 1695869 (VCV001695869.3), dbSNP rs1557103508, ClinGen allele CA412954709.